The following is an entry in ClinVar:

NM_020937.4(FANCM):c.4593TGA[1] (p.Asp1532del)

Gene: FANCM (FA complementation group M; plus strand). Cytogenetic location: 14q21.2.
Variant type: Microsatellite.
Coding change: c.4593TGA[1] on transcript NM_020937.4 (MANE Select); one copy of the 3-base unit TGA starting at c.4593; the reference has two copies in a row; one copy, 3 bases deleted.
Protein change: p.Asp1532del; deletes aspartic acid 1532.
Molecular consequence: inframe deletion.
Genome position (GRCh38, 1-based): chr14:45,185,297-45,185,299, TGA deleted; deleting any 3 consecutive bases within chr14:45,185,293-45,185,299 gives the same sequence; the position shown is the placement nearest the transcript's 3' end. VCF-style (leftmost placement, unchanged base first): chr14-45185292-AATG-A. GRCh37 (hg19) VCF-style: chr14-45654495-AATG-A.
Other names: c.4515TGA[1], p.Asp1506del (NM_001308133.2); short protein forms D1506del, D1532del.
Identifiers: ClinVar variation 2195678 (VCV002195678.4), dbSNP rs1277916205, ClinGen allele CA614273623.
Genomic context (GRCh38, chr14:45,185,292, plus strand): 5'-TTTTTAGATGATGAAGCAGAACTTTCTGAAGAAGATGCAGAATATGTTTCATCAGATGAA[AATG>A]ATGAGTCAGAAAATGAACAAGATTCCTCATTACTTGACTTTTTAAATGATGAAACTCAAC-3'

ClinVar aggregate classification (germline): Uncertain significance (1 of 4 stars; one submission).

Conditions:
Fanconi anemia (FA). Also called: Fanconi's anemia. Identifiers: Orphanet 84, MedGen C0015625, MeSH D005199, MONDO:0019391.

Submission:

Labcorp Genetics (formerly Invitae), Labcorp
Classification: Uncertain significance for Fanconi anemia. Last evaluated: 2022-05-30. Review status: criteria provided, single submitter. Criteria: Invitae Variant Classification Sherloc (09022015). Collection method: clinical testing. Allele origin: germline.
Comment: In summary, the available evidence is currently insufficient to determine the role of this variant in disease. Therefore, it has been classified as a Variant of Uncertain Significance. Experimental studies and prediction algorithms are not available or were not evaluated, and the functional significance of this variant is currently unknown. This variant has not been reported in the literature in individuals affected with FANCM-related conditions. This variant is present in population databases (no rsID available, gnomAD 0.003%). This variant, c.4596_4598del, results in the deletion of 1 amino acid(s) of the FANCM protein (p.Asp1532del), but otherwise preserves the integrity of the reading frame.